The following is an entry in ClinVar:

NM_017950.4(CCDC40):c.2609G>A (p.Arg870His)

Gene: CCDC40 (coiled-coil domain 40 molecular ruler complex subunit; plus strand). Cytogenetic location: 17q25.3.
Variant type: single nucleotide variant.
Coding change: c.2609G>A on transcript NM_017950.4 (MANE Select); coding-DNA position 2609, G replaced by A.
Protein change: p.Arg870His; replaces arginine 870 with histidine.
Molecular consequence: missense variant.
Genome position (GRCh38, 1-based): chr17:80,087,766, G>A. VCF-style: chr17-80087766-G-A. GRCh37 (hg19) VCF-style: chr17-78061565-G-A.
Other names: c.2609G>A, p.Arg870His (NM_001243342.2); short protein forms R870H.
Identifiers: ClinVar variation 890960 (VCV000890960.12), dbSNP rs373717036, ClinGen allele CA8814251.
Genomic context (GRCh38, chr17:80,087,766, plus strand): 5'-ACCGGTGCAGCTCGGAGGAGCTGGAGCAGAACAACCGGGTGACAGAGAATGAGTTCGTGC[G>A]CTCGCTGAAGGTCCGGCCGTGTCCACGCAGTCCCGGGGCTCAGGACGATGGAGGGCGGGG-3'
Protein context (NP_060420.2, residues 860-880): NNRVTENEFV[Arg870His]SLKASERETI

ClinVar aggregate classification (germline): Uncertain significance. Review status: criteria provided, multiple submitters, no conflicts (2 of 4 stars). 3 submissions from 3 submitters: Uncertain significance (3). Last evaluated 2022-07-12.

Conditions:
Primary ciliary dyskinesia. Also called: Ciliary dyskinesia. Identifiers: Orphanet 244, MedGen C0008780, MONDO:0016575, HP:0012265.
Primary ciliary dyskinesia 15. Also called: CILIARY DYSKINESIA, PRIMARY, 15, WITH OR WITHOUT SITUS INVERSUS. Identifiers: Orphanet 244, MedGen C3151137, MONDO:0013435, OMIM 613808.

Allele frequency attached by ClinVar (database versions not stated): gnomAD exomes 0.00014 and 0.00006; gnomAD 0.00005 and 0.00006; ExAC 0.00006; TOPMed 0.00007; ESP Exome Variant Server 0.00008.
gnomAD v4.1: 203 of 1,613,916 alleles (0.013%); highest among the groups gnomAD compares: Non-Finnish European, 0.016%; no homozygotes.

Submissions (3):

Labcorp Genetics (formerly Invitae), Labcorp
Classification: Uncertain significance for Primary ciliary dyskinesia. Last evaluated: 2022-07-12. Review status: criteria provided, single submitter. Criteria: Invitae Variant Classification Sherloc (09022015). Collection method: clinical testing. Allele origin: germline.
Comment: This sequence change replaces arginine, which is basic and polar, with histidine, which is basic and polar, at codon 870 of the CCDC40 protein (p.Arg870His). This variant is present in population databases (rs373717036, gnomAD 0.02%). This missense change has been observed in individual(s) with primary ciliary dyskinesia (PMID: 25619595). ClinVar contains an entry for this variant (Variation ID: 890960). Algorithms developed to predict the effect of missense changes on protein structure and function (SIFT, PolyPhen-2, Align-GVGD) all suggest that this variant is likely to be tolerated. In summary, the available evidence is currently insufficient to determine the role of this variant in disease. Therefore, it has been classified as a Variant of Uncertain Significance.

Ambry Genetics
Classification: Uncertain significance for Primary ciliary dyskinesia. Last evaluated: 2019-06-20. Review status: criteria provided, single submitter. Criteria: Ambry Variant Classification Scheme 2023. Collection method: clinical testing. Allele origin: germline.
Comment: The p.R870H variant (also known as c.2609G>A), located in coding exon 15 of the CCDC40 gene, results from a G to A substitution at nucleotide position 2609. The arginine at codon 870 is replaced by histidine, an amino acid with highly similar properties. This amino acid position is not well conserved in available vertebrate species. In addition, this alteration is predicted to be tolerated by in silico analysis. Based on available evidence to date, the clinical significance of this alteration remains unclear.

Illumina Laboratory Services, Illumina
Classification: Uncertain significance for Primary ciliary dyskinesia 15. Last evaluated: 2017-04-28. Review status: criteria provided, single submitter. Criteria: ICSL Variant Classification Criteria 13 December 2019. Collection method: clinical testing. Allele origin: germline.
Comment: This variant was observed as part of a predisposition screen in an ostensibly healthy population. A literature search was performed for the gene, cDNA change, and amino acid change (where applicable). Publications were found based on this search. However, the evidence from the literature, in combination with allele frequency data from public databases where available, was not sufficient to rule this variant in or out of causing disease. Therefore, this variant is classified as a variant of unknown significance.

Literature cited by the submitters: PubMed 25619595 (cited by 3 submitters).